The following is an entry in ClinVar:

NM_000238.4(KCNH2):c.1789T>C (p.Tyr597His)

Gene: KCNH2 (potassium voltage-gated channel subfamily H member 2; minus strand). Cytogenetic location: 7q36.1.
Variant type: single nucleotide variant.
Coding change: c.1789T>C on transcript NM_000238.4 (MANE Select); coding-DNA position 1789, T replaced by C.
Protein change: p.Tyr597His; replaces tyrosine 597 with histidine.
Molecular consequence: missense variant. On other transcripts: non-coding transcript variant (2).
Genome position (GRCh38, 1-based): chr7:150,951,604, A>G on the plus strand (T>C on the coding strand, the complement: KCNH2 is on the minus strand). VCF-style: chr7-150951604-A-G. GRCh37 (hg19) VCF-style: chr7-150648692-A-G.
Other names: c.769T>C, p.Tyr257His (NM_001204798.2, NM_172057.3); c.1501T>C, p.Tyr501His (NM_001406753.1, NM_001406756.1); c.1612T>C, p.Tyr538His (NM_001406755.1); c.1489T>C, p.Tyr497His (NM_001406757.1); c.1789T>C, p.Tyr597His (NM_172056.3); short protein forms Y497H, Y501H, Y538H, Y257H, Y597H.
Identifiers: ClinVar variation 4715463 (VCV004715463.1).

ClinVar aggregate classification (germline): Uncertain significance (1 of 4 stars; one submission).

Conditions:
Long QT syndrome (LQTS). Identifiers: MedGen C0023976, MeSH D008133, MONDO:0002442. Disease mechanism: loss of function. Inheritance: Various modes of inheritance.

Submission:

Labcorp Genetics (formerly Invitae), Labcorp
Classification: Uncertain significance for Long QT syndrome. Last evaluated: 2025-03-19. Review status: criteria provided, single submitter. Criteria: Invitae Variant Classification Sherloc (09022015). Collection method: clinical testing. Allele origin: germline.
Comment: This sequence change replaces tyrosine, which is neutral and polar, with histidine, which is basic and polar, at codon 597 of the KCNH2 protein (p.Tyr597His). This variant is not present in population databases (gnomAD no frequency). This variant has not been reported in the literature in individuals affected with KCNH2-related conditions. An algorithm developed to predict the effect of missense changes on protein structure and function (PolyPhen-2) suggests that this variant is likely to be disruptive. This variant disrupts the p.Tyr597 amino acid residue in KCNH2. Other variant(s) that disrupt this residue have been determined to be pathogenic (PMID: 12407082, 19716085, 25417810; internal data). This suggests that this residue is clinically significant, and that variants that disrupt this residue are likely to be disease-causing. In summary, the available evidence is currently insufficient to determine the role of this variant in disease. Therefore, it has been classified as a Variant of Uncertain Significance.

Literature cited by the submitters: PubMed 12407082; PubMed 19716085; PubMed 25417810.